The following is an entry in ClinVar:

ClinVar aggregate classification (germline): Uncertain significance (1 of 4 stars; one submission).

gnomAD v4.1: 15 of 1,611,284 alleles (0.00093%); highest among the groups gnomAD compares: African/African-American, 0.0013%; no homozygotes.

Submission:

Labcorp Genetics (formerly Invitae), Labcorp
Classification: Uncertain significance. Last evaluated: 2022-05-15. Review status: criteria provided, single submitter. Criteria: Invitae Variant Classification Sherloc (09022015). Collection method: clinical testing. Allele origin: germline.
Comment: This sequence change replaces alanine, which is neutral and non-polar, with serine, which is neutral and polar, at codon 329 of the TMPRSS15 protein (p.Ala329Ser). This variant is not present in population databases (gnomAD no frequency). This variant has not been reported in the literature in individuals affected with TMPRSS15-related conditions. Algorithms developed to predict the effect of missense changes on protein structure and function are either unavailable or do not agree on the potential impact of this missense change (SIFT: "Not Available"; PolyPhen-2: "Probably Damaging"; Align-GVGD: "Not Available"). In summary, the available evidence is currently insufficient to determine the role of this variant in disease. Therefore, it has been classified as a Variant of Uncertain Significance.

NM_002772.3(TMPRSS15):c.985G>T (p.Ala329Ser)

Gene: TMPRSS15 (transmembrane serine protease 15; minus strand). Cytogenetic location: 21q21.1.
Variant type: single nucleotide variant.
Coding change: c.985G>T on transcript NM_002772.3 (MANE Select); coding-DNA position 985, G replaced by T.
Protein change: p.Ala329Ser; replaces alanine 329 with serine.
Molecular consequence: missense variant.
Genome position (GRCh38, 1-based): chr21:18,353,759, C>A on the plus strand (G>T on the coding strand, the complement: TMPRSS15 is on the minus strand). VCF-style: chr21-18353759-C-A. GRCh37 (hg19) VCF-style: chr21-19726076-C-A.
Other names: short protein forms A329S.
Identifiers: ClinVar variation 2045341 (VCV002045341.1), dbSNP rs764662592, ClinGen allele CA318138977.